The following is an entry in ClinVar:

ClinVar aggregate classification (germline): Uncertain significance. Review status: criteria provided, multiple submitters, no conflicts (2 of 4 stars). 4 submissions from 4 submitters: Uncertain significance (4). Last evaluated 2025-12-17.

Conditions:
Severe early-onset pulmonary alveolar proteinosis due to MARS deficiency. Also called: PULMONARY ALVEOLAR PROTEINOSIS, REUNION ISLAND; Interstitial lung and liver disease. Identifiers: Orphanet 440427, MedGen C4225400, MONDO:0014206, OMIM 615486.
Charcot-Marie-Tooth disease axonal type 2U. Also called: CHARCOT-MARIE-TOOTH NEUROPATHY, TYPE 2U; CHARCOT-MARIE-TOOTH DISEASE, AXONAL, AUTOSOMAL DOMINANT, TYPE 2U. Identifiers: Orphanet 397735, MedGen C4084821, MONDO:0014566, OMIM 616280.
MARS1-related disorder. Also called: MARS1-related condition.

Allele frequency attached by ClinVar (database versions not stated): gnomAD exomes 0.00001; ExAC 0.00003; gnomAD 0.00006; TOPMed 0.00006; ESP Exome Variant Server 0.00008.
gnomAD v4.1: 21 of 1,614,024 alleles (0.0013%); highest among the groups gnomAD compares: African/African-American, 0.025%; no homozygotes.

Submissions (4):

Labcorp Genetics (formerly Invitae), Labcorp
Classification: Uncertain significance for Charcot-Marie-Tooth disease axonal type 2U; Severe early-onset pulmonary alveolar proteinosis due to MARS deficiency. Last evaluated: 2025-12-17. Review status: criteria provided, single submitter. Criteria: Invitae Variant Classification Sherloc (09022015). Collection method: clinical testing. Allele origin: germline.
Comment: This sequence change replaces leucine, which is neutral and non-polar, with proline, which is neutral and non-polar, at codon 228 of the MARS protein (p.Leu228Pro). This variant is present in population databases (rs143003497, gnomAD 0.03%). This variant has not been reported in the literature in individuals affected with MARS-related conditions. ClinVar contains an entry for this variant (Variation ID: 1992681). An algorithm developed to predict the effect of missense changes on protein structure and function (PolyPhen-2) suggests that this variant is likely to be tolerated. In summary, the available evidence is currently insufficient to determine the role of this variant in disease. Therefore, it has been classified as a Variant of Uncertain Significance.

PreventionGenetics, part of Exact Sciences
Classification: Uncertain significance for MARS1-related condition. Last evaluated: 2025-10-23. Review status: criteria provided, single submitter. Criteria: ACMG Guidelines, 2015. Collection method: clinical testing. Allele origin: germline.
Comment: The MARS1 c.683T>C variant is predicted to result in the amino acid substitution p.Leu228Pro. To our knowledge, this variant has not been reported in the literature. This variant is reported in 0.032% of alleles in individuals of African descent in gnomAD. At this time, the clinical significance of this variant is uncertain due to the absence of conclusive functional and genetic evidence.

Ambry Genetics
Classification: Uncertain significance. Last evaluated: 2024-10-09. Review status: criteria provided, single submitter. Criteria: Ambry Variant Classification Scheme 2023. Collection method: clinical testing. Allele origin: germline.

Women's Health and Genetics/Laboratory Corporation of America, LabCorp
Classification: Uncertain significance. Last evaluated: 2024-01-23. Review status: criteria provided, single submitter. Criteria: LabCorp Variant Classification Summary - May 2015. Collection method: clinical testing. Allele origin: germline.
Comment: Variant summary: MARS1 c.683T>C (p.Leu228Pro) results in a non-conservative amino acid change in the encoded protein sequence. Four of five in-silico tools predict a damaging effect of the variant on protein function. The variant was absent in 1614024 control chromosomes. The available data on variant occurrences in the general population are insufficient to allow any conclusion about variant significance. To our knowledge, no occurrence of c.683T>C in individuals affected with MARS1-Related Disorders and no experimental evidence demonstrating its impact on protein function have been reported. ClinVar contains an entry for this variant (Variation ID: 1992681). Based on the evidence outlined above, the variant was classified as uncertain significance.

NM_004990.4(MARS1):c.683T>C (p.Leu228Pro)

Gene: MARS1 (methionyl-tRNA synthetase 1; plus strand). Cytogenetic location: 12q13.3.
Variant type: single nucleotide variant.
Coding change: c.683T>C on transcript NM_004990.4 (MANE Select); coding-DNA position 683, T replaced by C.
Protein change: p.Leu228Pro; replaces leucine 228 with proline.
Molecular consequence: missense variant.
Genome position (GRCh38, 1-based): chr12:57,490,557, T>C. VCF-style: chr12-57490557-T-C. GRCh37 (hg19) VCF-style: chr12-57884340-T-C.
Other names: c.683T>C (NM_004990.3); short protein forms L228P.
Identifiers: ClinVar variation 1992681 (VCV001992681.7), dbSNP rs143003497, ClinGen allele CA6650260.